The following is an entry in ClinVar:

ClinVar aggregate classification (germline): Uncertain significance (1 of 4 stars; one submission).

Conditions:
Pyridoxine-dependent epilepsy (EPEO4). Also called: Pyridoxine-Dependent Seizures; EPILEPSY, EARLY-ONSET, 4, VITAMIN B6-DEPENDENT; PYRIDOXINE DEPENDENCY WITH SEIZURES; Pyridoxine-Dependent Epilepsy - ALDH7A1. Identifiers: Orphanet 3006, MedGen C1849508, MONDO:0009945, OMIM 266100. Disease mechanism: loss of function.

Submission:

Labcorp Genetics (formerly Invitae), Labcorp
Classification: Uncertain significance for Pyridoxine-dependent epilepsy. Last evaluated: 2025-11-12. Review status: criteria provided, single submitter. Criteria: Invitae Variant Classification Sherloc (09022015). Collection method: clinical testing. Allele origin: germline.
Comment: This sequence change falls in intron 15 of the ALDH7A1 gene. It does not directly change the encoded amino acid sequence of the ALDH7A1 protein. It affects a nucleotide within the consensus splice site. This variant is present in population databases (rs767127542, gnomAD 0.01%). This variant has not been reported in the literature in individuals affected with ALDH7A1-related conditions. Variants that disrupt the consensus splice site are a relatively common cause of aberrant splicing (PMID: 17576681, 9536098). Algorithms developed to predict the effect of sequence changes on RNA splicing suggest that this variant may disrupt the consensus splice site. In summary, the available evidence is currently insufficient to determine the role of this variant in disease. Therefore, it has been classified as a Variant of Uncertain Significance.

Literature cited by the submitters: PubMed 17576681; PubMed 9536098.

NM_001182.5(ALDH7A1):c.1415+3_1415+10del

Gene: ALDH7A1 (aldehyde dehydrogenase 7 family member A1; minus strand). Cytogenetic location: 5q23.2.
Variant type: Deletion.
Coding change: c.1415+3_1415+10del on transcript NM_001182.5 (MANE Select); bases 3 to 10 of the intron after coding-DNA position 1415, 8 bases deleted (ACAACTTT; older notation c.1415+3_1415+10delACAACTTT).
Molecular consequence: splice donor variant.
Genome position (GRCh38, 1-based): chr5:126,550,186-126,550,193, AAAGTTGT deleted on the plus strand (ACAACTTT on the coding strand, the reverse complement: ALDH7A1 is on the minus strand); deleting any 8 consecutive bases within chr5:126,550,186-126,550,194 gives the same sequence; the c. name uses the placement nearest the transcript's 3' end. VCF-style (leftmost placement, unchanged base first): chr5-126550185-CAAAGTTGT-C. GRCh37 (hg19) VCF-style: chr5-125885877-CAAAGTTGT-C.
Other names: c.1223+3_1223+10del (NM_001202404.2); c.1331+3_1331+10del (NM_001201377.2).
Identifiers: ClinVar variation 4746502 (VCV004746502.1).